The following is an entry in ClinVar:

ClinVar aggregate classification (germline): Conflicting classifications of pathogenicity. Review status: criteria provided, conflicting classifications (1 of 4 stars). 3 submissions from 3 submitters: Uncertain significance (2); Benign (1). Last evaluated 2026-09-08.

Conditions:
RAI1-related disorder. Also called: RAI1-related condition.

Allele frequency attached by ClinVar (database versions not stated): gnomAD exomes below 0.00001.
gnomAD v4.1: 2 of 1,613,124 alleles (0.00012%); highest among the groups gnomAD compares: Non-Finnish European, 0.00017%; no homozygotes.

Submissions (3):

PreventionGenetics, part of Exact Sciences
Classification: Uncertain significance for RAI1-related condition. Last evaluated: 2026-09-08. Review status: criteria provided, single submitter. Criteria: ACMG Guidelines, 2015. Collection method: clinical testing. Allele origin: germline.
Comment: The RAI1 c.2659A>G variant is predicted to result in the amino acid substitution p.Met887Val. To our knowledge, this variant has not been reported in the literature. This variant is reported in 0.00089% of alleles in individuals of European (Non-Finnish) descent in gnomAD. At this time, the clinical significance of this variant is uncertain due to the absence of conclusive functional and genetic evidence.

Labcorp Genetics (formerly Invitae), Labcorp
Classification: Benign. Last evaluated: 2024-02-06. Review status: criteria provided, single submitter. Criteria: Invitae Variant Classification Sherloc (09022015). Collection method: clinical testing. Allele origin: germline.

Eurofins Ntd Llc (ga)
Classification: Uncertain significance. Last evaluated: 2014-09-04. Review status: criteria provided, single submitter. Criteria: EGL Classification Definitions 2015. Collection method: clinical testing. Allele origin: germline. Observed: 1 variant allele, 1 heterozygote.

NM_030665.4(RAI1):c.2659A>G (p.Met887Val)

Gene: RAI1 (retinoic acid induced 1; plus strand). Cytogenetic location: 17p11.2.
Variant type: single nucleotide variant.
Coding change: c.2659A>G on transcript NM_030665.4 (MANE Select); coding-DNA position 2659, A replaced by G.
Protein change: p.Met887Val; replaces methionine 887 with valine.
Molecular consequence: missense variant.
Genome position (GRCh38, 1-based): chr17:17,795,607, A>G. VCF-style: chr17-17795607-A-G. GRCh37 (hg19) VCF-style: chr17-17698921-A-G.
Other names: c.2659A>G (NM_030665.3); short protein forms M887V.
Identifiers: ClinVar variation 196553 (VCV000196553.9), dbSNP rs794727523, ClinGen allele CA243544.